The following is an entry in ClinVar:

NM_018263.6(ASXL2):c.1489G>A (p.Ala497Thr)

Gene: ASXL2 (ASXL transcriptional regulator 2; minus strand). Cytogenetic location: 2p23.3.
Variant type: single nucleotide variant.
Coding change: c.1489G>A on transcript NM_018263.6 (MANE Select); coding-DNA position 1489, G replaced by A.
Protein change: p.Ala497Thr; replaces alanine 497 with threonine.
Molecular consequence: missense variant.
Genome position (GRCh38, 1-based): chr2:25,750,067, C>T on the plus strand (G>A on the coding strand, the complement: ASXL2 is on the minus strand). VCF-style: chr2-25750067-C-T. GRCh37 (hg19) VCF-style: chr2-25972936-C-T.
Other names: c.1315G>A, p.Ala439Thr (NM_001369346.1); c.709G>A, p.Ala237Thr (NM_001369347.1); short protein forms A237T, A497T, A439T.
Identifiers: ClinVar variation 777989 (VCV000777989.46), dbSNP rs192716734, ClinGen allele CA1557806.

ClinVar aggregate classification (germline): Benign/Likely benign. Review status: criteria provided, multiple submitters, no conflicts (2 of 4 stars). 5 submissions from 5 submitters: Benign (3); Likely benign (1). 1 of the submissions does not count toward it. Last evaluated 2026-07-01.

Conditions:
ASXL2-related disorder. Also called: ASXL2-related condition.

Allele frequency attached by ClinVar (database versions not stated): 1000 Genomes Project 0.00140; 1000 Genomes Project 30x 0.00156; ESP Exome Variant Server 0.00380; ExAC 0.00381; gnomAD 0.00412 and 0.00415; TOPMed 0.00425; gnomAD exomes 0.00452.
gnomAD v4.1: 7,264 of 1,613,938 alleles (0.45%); highest among the groups gnomAD compares: Middle Eastern, 2.4%; 28 homozygotes.

Submissions (5):

CeGaT Center for Human Genetics Tuebingen
Classification: Likely benign. Last evaluated: 2026-07-01. Review status: criteria provided, single submitter. Criteria: CeGaT Center For Human Genetics Tuebingen Variant Classification Criteria Version 2. Collection method: clinical testing. Allele origin: germline. Affected: yes. Observed: 44 variant alleles.
Comment: ASXL2: BP4, BS2

Labcorp Genetics (formerly Invitae), Labcorp
Classification: Benign. Last evaluated: 2026-01-18. Review status: criteria provided, single submitter. Criteria: Invitae Variant Classification Sherloc (09022015). Collection method: clinical testing. Allele origin: germline.

Genetic Services Laboratory, University of Chicago
Classification: Benign. Last evaluated: 2020-01-10. Review status: criteria provided, single submitter. Criteria: ACMG Guidelines, 2015. Collection method: clinical testing. Allele origin: germline. Affected: no.

Breakthrough Genomics
Classification: Benign. Review status: criteria provided, single submitter. Criteria: ACMG Guidelines, 2015. Collection method: not provided. Allele origin: germline. Inheritance: Autosomal dominant inheritance. Affected: yes.

PreventionGenetics, part of Exact Sciences
Classification: Benign for ASXL2-related condition. Last evaluated: 2021-10-25. Review status: no assertion criteria provided. Collection method: clinical testing. Allele origin: germline. Not counted in ClinVar's aggregate classification.
Comment: This variant is classified as benign based on ACMG/AMP sequence variant interpretation guidelines (Richards et al. 2015 PMID: 25741868, with internal and published modifications).